The following is an entry in ClinVar:

NM_000070.3(CAPN3):c.2051-29C>T

Gene: CAPN3 (calpain 3; plus strand). Cytogenetic location: 15q15.1.
Variant type: single nucleotide variant.
Coding change: c.2051-29C>T on transcript NM_000070.3 (MANE Select); 29 bases into the intron before coding-DNA position 2051, C replaced by T.
Molecular consequence: intron variant.
Genome position (GRCh38, 1-based): chr15:42,409,902, C>T. VCF-style: chr15-42409902-C-T. GRCh37 (hg19) VCF-style: chr15-42702100-C-T.
Other names: c.2033-29C>T (NM_024344.2); c.1775-29C>T (NM_173087.2); c.515-29C>T (NM_173088.2); c.56-29C>T (NM_173090.2, NM_173089.2).
Identifiers: ClinVar variation 679541 (VCV000679541.2), dbSNP rs146599748, ClinGen allele CA7511690.

ClinVar aggregate classification (germline): Likely benign. Review status: criteria provided, multiple submitters, no conflicts (2 of 4 stars). 2 submissions from 2 submitters: Likely benign (2). Last evaluated 2018-06-19.

Allele frequency attached by ClinVar (database versions not stated): gnomAD exomes 0.00292; ExAC 0.00348; gnomAD 0.01007 and 0.01058; TOPMed 0.01080; ESP Exome Variant Server 0.01123; 1000 Genomes Project 0.01677; 1000 Genomes Project 30x 0.01780.
gnomAD v4.1: 3,221 of 1,611,810 alleles (0.2%); highest among the groups gnomAD compares: African/African-American, 3.3%; 38 homozygotes.

Submissions (2):

GeneDx
Classification: Likely benign. Last evaluated: 2018-06-19. Review status: criteria provided, single submitter. Criteria: GeneDx Variant Classification (06012015). Collection method: clinical testing. Allele origin: germline. Affected: yes.
Comment: This variant is considered likely benign or benign based on one or more of the following criteria: it is a conservative change, it occurs at a poorly conserved position in the protein, it is predicted to be benign by multiple in silico algorithms, and/or has population frequency not consistent with disease.

Breakthrough Genomics
Classification: Likely benign. Review status: criteria provided, single submitter. Criteria: ACMG Guidelines, 2015. Collection method: not provided. Allele origin: germline. Inheritance: Autosomal recessive inheritance. Affected: yes.